The following is an entry in ClinVar:

ClinVar aggregate classification (germline): Uncertain significance. Review status: criteria provided, multiple submitters, no conflicts (2 of 4 stars). 3 submissions from 3 submitters: Uncertain significance (3). Last evaluated 2025-06-17.

Conditions:
Familial thoracic aortic aneurysm and aortic dissection (TAAD). Also called: Thoracic aortic aneurysms and dissections. Identifiers: Orphanet 91387, MedGen C4707243, MONDO:0019625.

Allele frequency attached by ClinVar (database versions not stated): gnomAD exomes below 0.00001; TOPMed 0.00001.
gnomAD v4.1: 1 of 835,220 alleles (0.00012%); highest among the groups gnomAD compares: Non-Finnish European, 0.00014%; no homozygotes.

Submissions (3):

Ambry Genetics
Classification: Uncertain significance for Familial thoracic aortic aneurysm and aortic dissection. Last evaluated: 2025-06-17. Review status: criteria provided, single submitter. Criteria: Ambry Variant Classification Scheme 2023. Collection method: clinical testing. Allele origin: germline.

Labcorp Genetics (formerly Invitae), Labcorp
Classification: Uncertain significance for Familial thoracic aortic aneurysm and aortic dissection. Last evaluated: 2024-03-26. Review status: criteria provided, single submitter. Criteria: Invitae Variant Classification Sherloc (09022015). Collection method: clinical testing. Allele origin: germline.
Comment: This sequence change replaces alanine, which is neutral and non-polar, with valine, which is neutral and non-polar, at codon 20 of the TGFBR1 protein (p.Ala20Val). The frequency data for this variant in the population databases is considered unreliable, as metrics indicate insufficient coverage at this position in the gnomAD database. This variant has not been reported in the literature in individuals affected with TGFBR1-related conditions. ClinVar contains an entry for this variant (Variation ID: 929101). Advanced modeling of protein sequence and biophysical properties (such as structural, functional, and spatial information, amino acid conservation, physicochemical variation, residue mobility, and thermodynamic stability) performed at Invitae indicates that this missense variant is not expected to disrupt TGFBR1 protein function with a negative predictive value of 95%. In summary, the available evidence is currently insufficient to determine the role of this variant in disease. Therefore, it has been classified as a Variant of Uncertain Significance.

Women's Health and Genetics/Laboratory Corporation of America, LabCorp
Classification: Uncertain significance. Last evaluated: 2019-04-02. Review status: criteria provided, single submitter. Criteria: LabCorp Variant Classification Summary - May 2015. Collection method: clinical testing. Allele origin: germline.
Comment: Variant summary: TGFBR1 c.59C>T (p.Ala20Val) results in a non-conservative amino acid change in the encoded protein sequence. Three of four in-silico tools predict a benign effect of the variant on protein function. The variant was absent in 24996 control chromosomes (gnomAD). The available data on variant occurrences in the general population are insufficient to allow any conclusion about variant significance. To our knowledge, no occurrence of c.59C>T in individuals affected with Aortopathy and no experimental evidence demonstrating its impact on protein function have been reported. No clinical diagnostic laboratories have submitted clinical-significance assessments for this variant to ClinVar after 2014. Based on the evidence outlined above, the variant was classified as uncertain significance.

NM_004612.4(TGFBR1):c.59C>T (p.Ala20Val)

Gene: TGFBR1 (transforming growth factor beta receptor 1; plus strand). Cytogenetic location: 9q22.33.
Variant type: single nucleotide variant.
Coding change: c.59C>T on transcript NM_004612.4 (MANE Select); coding-DNA position 59, C replaced by T.
Protein change: p.Ala20Val; replaces alanine 20 with valine.
Molecular consequence: missense variant.
Genome position (GRCh38, 1-based): chr9:99,105,264, C>T. VCF-style: chr9-99105264-C-T. GRCh37 (hg19) VCF-style: chr9-101867546-C-T.
Other names: c.59C>T, p.Ala20Val (NM_001130916.3, NM_001306210.2); c.59C>T (NM_004612.2); short protein forms A20V.
Identifiers: ClinVar variation 929101 (VCV000929101.10), dbSNP rs1333080544, ClinGen allele CA374223760.